The following is an entry in ClinVar:

ClinVar aggregate classification (germline): Pathogenic (1 of 4 stars; one submission).

Conditions:
Familial cancer of breast. Also called: Hereditary breast cancer; BREAST CANCER, FAMILIAL; hereditary breast carcinoma. Identifiers: Orphanet 227535, MedGen C0346153, MONDO:0016419, OMIM 114480. Disease mechanism: loss of function.

Submission:

Myriad Genetics, Inc.
Classification: Pathogenic for Familial cancer of breast. Last evaluated: 2023-09-07. Review status: criteria provided, single submitter. Criteria: Myriad Autosomal Dominant, Autosomal Recessive and X-Linked Classification Criteria (2023). Collection method: clinical testing. Allele origin: unknown.
Comment: This variant is considered pathogenic. This variant creates a frameshift predicted to result in premature protein truncation.

NM_024675.4(PALB2):c.850_866del (p.Thr284fs)

Gene: PALB2 (partner and localizer of BRCA2; minus strand). Cytogenetic location: 16p12.2.
Variant type: Deletion.
Coding change: c.850_866del on transcript NM_024675.4 (MANE Select); coding-DNA positions 850 to 866, 17 bases deleted (ACTTCACCTGTAAGTTT).
Protein change: p.Thr284fs; shifts the reading frame from threonine 284.
Molecular consequence: frameshift variant. On other transcripts: 5 prime UTR variant (8), intron variant (3).
Genome position (GRCh38, 1-based): chr16:23,635,680-23,635,696, AAACTTACAGGTGAAGT deleted on the plus strand (ACTTCACCTGTAAGTTT on the coding strand, the reverse complement: PALB2 is on the minus strand); deleting any 17 consecutive bases within chr16:23,635,680-23,635,699 gives the same sequence; the c. name uses the placement nearest the transcript's 3' end. VCF-style (leftmost placement, unchanged base first): chr16-23635679-CAAACTTACAGGTGAAGT-C. GRCh37 (hg19) VCF-style: chr16-23647000-CAAACTTACAGGTGAAGT-C.
Other names: c.790_806del, p.Thr264fs (NM_001407296.1); c.850_866del, p.Thr284fs (NM_001407297.1, NM_001407298.1, NM_001407299.1 and 3 more transcripts); c.-36_-20del (NM_001407304.1, NM_001407305.1, NM_001407306.1 and 5 more transcripts); c.48+5414_48+5430del (NM_001407314.1); c.-104-5227_-104-5211del (NM_001407313.1, NM_001407312.1); short protein forms T264fs, T284fs.
Identifiers: ClinVar variation 2674162 (VCV002674162.1), dbSNP rs2506497427, ClinGen allele CA2695197531.
Genomic context (GRCh38, chr16:23,635,679, plus strand): 5'-TATAGCTTTATTTACAAGGAGGTTATCTGTAGAGACAGTCATTTTTTTGCCTTGTGCCTC[CAAACTTACAGGTGAAGT>C]AAATCTAATGTTTTTTAGGTCGTGAGTAGTAAGTTCACTGCTACCTTTAGGAGGAATGTG-3'